The following is an entry in ClinVar:

NM_015065.3(EXPH5):c.3640del (p.Cys1214fs)

Gene: EXPH5 (exophilin 5; minus strand). Cytogenetic location: 11q22.3.
Variant type: Deletion.
Coding change: c.3640del on transcript NM_015065.3 (MANE Select); coding-DNA position 3640, one base deleted (T; older notation c.3640delT).
Protein change: p.Cys1214fs; shifts the reading frame from cysteine 1214.
Molecular consequence: frameshift variant.
Genome position (GRCh38, 1-based): chr11:108,511,867, A deleted on the plus strand (T on the coding strand, the reverse complement: EXPH5 is on the minus strand); the first of 5 consecutive A bases (chr11:108,511,867-108,511,871); deleting any one gives the same sequence. VCF-style (leftmost placement, unchanged base first): chr11-108511866-CA-C. GRCh37 (hg19) VCF-style: chr11-108382593-CA-C.
Other names: c.3412del, p.Cys1138fs (NM_001144763.2); c.3172del, p.Cys1058fs (NM_001144764.2); c.3076del, p.Cys1026fs (NM_001144765.2); c.3619del, p.Cys1207fs (NM_001308019.2); short protein forms C1026fs, C1058fs, C1138fs, C1207fs, C1214fs.
Identifiers: ClinVar variation 2242419 (VCV002242419.2), dbSNP rs34788119, ClinGen allele CA228438452.

ClinVar aggregate classification (germline): Pathogenic (1 of 4 stars; one submission).

Conditions:
Inborn genetic diseases. Identifiers: MedGen C0950123, MeSH D030342.

Submission:

Ambry Genetics
Classification: Pathogenic for Inborn genetic diseases. Last evaluated: 2021-09-27. Review status: criteria provided, single submitter. Criteria: Ambry Variant Classification Scheme 2023. Collection method: clinical testing. Allele origin: germline.
Comment: The c.3640delT (p.C1214Afs*31) alteration, located in exon 6 (coding exon 6) of the EXPH5 gene, consists of a deletion of one nucleotide at position 3640, causing a translational frameshift with a predicted alternate stop codon after 31 amino acids. This alteration occurs at the 3' terminus of the EXPH5 gene, is not expected to trigger nonsense-mediated mRNA decay. However, premature stop codons are typically deleterious in nature and this alteration impacts greater than 30% of the protein. Based on data from gnomAD, the alteration has an overall frequency of 0.0008% (2/251,952) total alleles studied. Based on the available evidence, this alteration is classified as pathogenic.